The following is an entry in ClinVar:

ClinVar aggregate classification (germline): Uncertain significance. Review status: criteria provided, multiple submitters, no conflicts (2 of 4 stars). 2 submissions from 2 submitters: Uncertain significance (2). Last evaluated 2025-08-19.

Conditions:
Cardiovascular phenotype. Identifiers: MedGen CN230736.

Submissions (2):

Ambry Genetics
Classification: Uncertain significance for Cardiovascular phenotype. Last evaluated: 2025-08-19. Review status: criteria provided, single submitter. Criteria: Ambry Variant Classification Scheme 2023. Collection method: clinical testing. Allele origin: germline.
Comment: The p.S371G variant (also known as c.1111A>G), located in coding exon 10 of the PRDM5 gene, results from an A to G substitution at nucleotide position 1111. The serine at codon 371 is replaced by glycine, an amino acid with similar properties. This amino acid position is conserved. In addition, this alteration is predicted to be tolerated by in silico analysis. Based on the available evidence, the clinical significance of this variant remains unclear.

Labcorp Genetics (formerly Invitae), Labcorp
Classification: Uncertain significance. Last evaluated: 2022-06-15. Review status: criteria provided, single submitter. Criteria: Invitae Variant Classification Sherloc (09022015). Collection method: clinical testing. Allele origin: germline.
Comment: Algorithms developed to predict the effect of missense changes on protein structure and function are either unavailable or do not agree on the potential impact of this missense change (SIFT: "Deleterious"; PolyPhen-2: "Possibly Damaging"; Align-GVGD: "Class C0"). In summary, the available evidence is currently insufficient to determine the role of this variant in disease. Therefore, it has been classified as a Variant of Uncertain Significance. This variant has not been reported in the literature in individuals affected with PRDM5-related conditions. This variant is not present in population databases (gnomAD no frequency). This sequence change replaces serine, which is neutral and polar, with glycine, which is neutral and non-polar, at codon 371 of the PRDM5 protein (p.Ser371Gly).

NM_018699.4(PRDM5):c.1111A>G (p.Ser371Gly)

Gene: PRDM5 (PR/SET domain 5; minus strand). Cytogenetic location: 4q27.
Variant type: single nucleotide variant.
Coding change: c.1111A>G on transcript NM_018699.4 (MANE Select); coding-DNA position 1111, A replaced by G.
Protein change: p.Ser371Gly; replaces serine 371 with glycine.
Molecular consequence: missense variant.
Genome position (GRCh38, 1-based): chr4:120,798,344, T>C on the plus strand (A>G on the coding strand, the complement: PRDM5 is on the minus strand). VCF-style: chr4-120798344-T-C. GRCh37 (hg19) VCF-style: chr4-121719499-T-C.
Other names: c.1018A>G, p.Ser340Gly (NM_001300823.2, NM_001300824.2, NM_001379106.1); c.1144A>G, p.Ser382Gly (NM_001379104.1); c.1111A>G (NM_018699.2); short protein forms S382G, S371G, S340G.
Identifiers: ClinVar variation 2035511 (VCV002035511.5), dbSNP rs2477517401, ClinGen allele CA358210185.
Genomic context (GRCh38, chr4:120,798,344, plus strand): 5'-AAACATTTCTGTGGGCAAATCCCTTTCCACAAAGTTTGCATTTGTAAGGTTTGTCTTCGC[T>C]GTGTATTACTTTGTGAGCACCCACTTGATCAAGCCTCTTGAAAGACTTATTACAAATCTC-3'
Protein context (NP_061169.2, residues 361-381): DQVGAHKVIH[Ser371Gly]EDKPYKCKLC